The following is an entry in ClinVar:

ClinVar aggregate classification (germline): Uncertain significance (1 of 4 stars; one submission).

Conditions:
Inborn genetic diseases. Identifiers: MedGen C0950123, MeSH D030342.

gnomAD v4.1: 1 of 1,614,056 alleles (0.000062%); highest among the groups gnomAD compares: Non-Finnish European, 0.000085%; no homozygotes.

Submission:

Ambry Genetics
Classification: Uncertain significance for Inborn genetic diseases. Last evaluated: 2025-05-09. Review status: criteria provided, single submitter. Criteria: Ambry Variant Classification Scheme 2023. Collection method: clinical testing. Allele origin: germline.
Comment: The p.V1358A variant (also known as c.4073T>C), located in coding exon 41 of the FANCA gene, results from a T to C substitution at nucleotide position 4073. The valine at codon 1358 is replaced by alanine, an amino acid with similar properties. This amino acid position is conserved. In addition, the in silico prediction for this alteration is inconclusive. Based on the available evidence, the clinical significance of this variant remains unclear.

NM_000135.4(FANCA):c.4073T>C (p.Val1358Ala)

Genes: FANCA (FA complementation group A; minus strand), ZNF276 (zinc finger protein 276; plus strand). Cytogenetic location: 16q24.3.
Variant type: single nucleotide variant.
Coding change: c.4073T>C on transcript NM_000135.4 (MANE Select); coding-DNA position 4073, T replaced by C.
Protein change: p.Val1358Ala; replaces valine 1358 with alanine.
Molecular consequence: missense variant. On other transcripts: 3 prime UTR variant (2), non-coding transcript variant (4).
Genome position (GRCh38, 1-based): chr16:89,739,227, A>G on the plus strand (T>C on the coding strand, the complement: FANCA is on the minus strand). VCF-style: chr16-89739227-A-G. GRCh37 (hg19) VCF-style: chr16-89805635-A-G.
Other names: c.4073T>C, p.Val1358Ala (NM_001286167.3); c.*981A>G (NM_001113525.2, NM_152287.4); short protein forms V1358A.
Identifiers: ClinVar variation 4022251 (VCV004022251.1).
Genomic context (GRCh38, chr16:89,739,227, plus strand): 5'-GGTGAAACTGTGCTTGTATCCCCAGCCACGAAGAGCTGGACCAGCTTCAAGTACATGTCC[A>G]CAGCAACATGCAGGAAGGCCTCTTCCCTGATGGCCGCGTCTTCATGGAAGTAGGAGAGAA-3'
Protein context (NP_000126.2, residues 1348-1368): IREEAFLHVA[Val1358Ala]DMYLKLVQLF